The following is an entry in ClinVar:

NM_006009.4(TUBA1A):c.790C>G (p.Arg264Gly)

Gene: TUBA1A (tubulin alpha 1a; minus strand). Cytogenetic location: 12q13.12.
Variant type: single nucleotide variant.
Coding change: c.790C>G on transcript NM_006009.4 (MANE Select); coding-DNA position 790, C replaced by G.
Protein change: p.Arg264Gly; replaces arginine 264 with glycine.
Molecular consequence: missense variant.
Genome position (GRCh38, 1-based): chr12:49,185,576, G>C on the plus strand (C>G on the coding strand, the complement: TUBA1A is on the minus strand). VCF-style: chr12-49185576-G-C. GRCh37 (hg19) VCF-style: chr12-49579359-G-C.
Other names: c.790C>G, p.Arg264Gly (NM_001270399.2); c.685C>G, p.Arg229Gly (NM_001270400.2); short protein forms R264G, R229G.
Identifiers: ClinVar variation 265283 (VCV000265283.11), dbSNP rs137853043, ClinGen allele CA10588552.

ClinVar aggregate classification (germline): Conflicting classifications of pathogenicity. Review status: criteria provided, conflicting classifications (1 of 4 stars). 4 submissions from 3 submitters: Pathogenic (2); Likely pathogenic (1); Uncertain significance (1). Last evaluated 2023-11-27.

Conditions:
Lissencephaly type 3. Identifiers: Orphanet 102011, MedGen C1969029, MONDO:0015148.
Tubulinopathy. Also called: Tubulinopathies. Identifiers: MedGen CN850169, MONDO:0100153.

Submissions (4):

Labcorp Genetics (formerly Invitae), Labcorp
Classification: Uncertain significance. Last evaluated: 2023-11-27. Review status: criteria provided, single submitter. Criteria: Invitae Variant Classification Sherloc (09022015). Collection method: clinical testing. Allele origin: germline.
Comment: This sequence change replaces arginine, which is basic and polar, with glycine, which is neutral and non-polar, at codon 264 of the TUBA1A protein (p.Arg264Gly). This variant is not present in population databases (gnomAD no frequency). This missense change has been observed in individual(s) with TUBA1A-related conditions (Invitae). ClinVar contains an entry for this variant (Variation ID: 265283). Advanced modeling of protein sequence and biophysical properties (such as structural, functional, and spatial information, amino acid conservation, physicochemical variation, residue mobility, and thermodynamic stability) performed at Invitae indicates that this missense variant is expected to disrupt TUBA1A protein function with a positive predictive value of 80%. This variant disrupts the p.Arg264 amino acid residue in TUBA1A. Other variant(s) that disrupt this residue have been determined to be pathogenic (PMID: 17218254, 18199681, 27431206, 28677066, 29671837). This suggests that this residue is clinically significant, and that variants that disrupt this residue are likely to be disease-causing. In summary, the available evidence is currently insufficient to determine the role of this variant in disease. Therefore, it has been classified as a Variant of Uncertain Significance.

Institute of Human Genetics, FAU Erlangen, Friedrich-Alexander-Universität Erlangen-Nürnberg
Classification: Pathogenic for Lissencephaly type 3. Last evaluated: 2023-08-14. Review status: criteria provided, single submitter. Criteria: Hauer et al. (Genet Med. 2018). Collection method: clinical testing. Allele origin: germline. Inheritance: Autosomal dominant inheritance. Affected: yes. Observed: 1 variant allele.
Comment: This variant has been identified by standard clinical testing. de novo Selected ACMG criteria: Pathogenic (III):PP3;PP2;PM5;PM2;PS2

GeneDx
Classification: Pathogenic. Last evaluated: 2021-10-19. Review status: criteria provided, single submitter. Criteria: GeneDx Variant Classification Process June 2021. Collection method: clinical testing. Allele origin: germline. Affected: yes.
Comment: In silico analysis supports that this missense variant has a deleterious effect on protein structure/function; Not observed in large population cohorts (Lek et al., 2016); Missense variants in this gene are often considered pathogenic (Stenson et al., 2014); This variant is associated with the following publications: (PMID: 30744660)

Institute of Human Genetics, FAU Erlangen, Friedrich-Alexander-Universität Erlangen-Nürnberg
Classification: Likely pathogenic for Tubulinopathies. Last evaluated: 2018-07-01. Review status: criteria provided, single submitter. Criteria: ACMG Guidelines, 2015. Collection method: literature only. Allele origin: germline. Affected: yes. Observed: 1 variant allele.
Comment: The c.790C>G, p.(Arg264Gly) variant has been reported as a variant of germline/unknown origin.

Literature cited by the submitters: PubMed 17218254 (cited by Labcorp Genetics (formerly Invitae), Labcorp); PubMed 18199681 (cited by Labcorp Genetics (formerly Invitae), Labcorp); PubMed 27431206 (cited by Labcorp Genetics (formerly Invitae), Labcorp); PubMed 28677066 (cited by Labcorp Genetics (formerly Invitae), Labcorp); PubMed 29671837 (cited by Labcorp Genetics (formerly Invitae), Labcorp); PubMed 30744660 (cited by Institute of Human Genetics, FAU Erlangen, Friedrich-Alexander-Universität Erlangen-Nürnberg); DOI 10.1101/427948 (cited by Institute of Human Genetics, FAU Erlangen, Friedrich-Alexander-Universität Erlangen-Nürnberg).